The following is an entry in ClinVar:

ClinVar aggregate classification (germline): Uncertain significance (1 of 4 stars; one submission).

Allele frequency attached by ClinVar (database versions not stated): gnomAD 0.00001 and 0.00002; TOPMed 0.00003; gnomAD exomes 0.00004; 1000 Genomes Project 30x 0.00016; 1000 Genomes Project 0.00020.
gnomAD v4.1: 62 of 1,613,784 alleles (0.0038%); highest among the groups gnomAD compares: Middle Eastern, 0.016%; no homozygotes.

Submission:

Labcorp Genetics (formerly Invitae), Labcorp
Classification: Uncertain significance. Last evaluated: 2023-11-04. Review status: criteria provided, single submitter. Criteria: Invitae Variant Classification Sherloc (09022015). Collection method: clinical testing. Allele origin: germline.
Comment: This sequence change replaces arginine, which is basic and polar, with cysteine, which is neutral and slightly polar, at codon 673 of the TOPORS protein (p.Arg673Cys). This variant is present in population databases (rs140126403, gnomAD 0.02%). This missense change has been observed in individual(s) with retinitis pigmentosa (PMID: 35254173). ClinVar contains an entry for this variant (Variation ID: 1384304). Algorithms developed to predict the effect of missense changes on protein structure and function output the following: SIFT: "Not Available"; PolyPhen-2: "Not Available"; Align-GVGD: "Not Available". The cysteine amino acid residue is found in multiple mammalian species, which suggests that this missense change does not adversely affect protein function. In summary, the available evidence is currently insufficient to determine the role of this variant in disease. Therefore, it has been classified as a Variant of Uncertain Significance.

Literature cited by the submitters: PubMed 35254173.

NM_005802.5(TOPORS):c.2017C>T (p.Arg673Cys)

Gene: TOPORS (TOP1 binding arginine/serine rich protein, E3 ubiquitin ligase; minus strand). Cytogenetic location: 9p21.1.
Variant type: single nucleotide variant.
Coding change: c.2017C>T on transcript NM_005802.5 (MANE Select); coding-DNA position 2017, C replaced by T.
Protein change: p.Arg673Cys; replaces arginine 673 with cysteine.
Molecular consequence: missense variant.
Genome position (GRCh38, 1-based): chr9:32,542,508, G>A on the plus strand (C>T on the coding strand, the complement: TOPORS is on the minus strand). VCF-style: chr9-32542508-G-A. GRCh37 (hg19) VCF-style: chr9-32542506-G-A.
Other names: c.1822C>T, p.Arg608Cys (NM_001195622.2); short protein forms R673C, R608C.
Identifiers: ClinVar variation 1384304 (VCV001384304.6), dbSNP rs140126403, ClinGen allele CA5020429.